The following is an entry in ClinVar:

NM_006031.6(PCNT):c.6162_6163del (p.Lys2054fs)

Gene: PCNT (pericentrin; plus strand). Cytogenetic location: 21q22.3.
Variant type: Deletion.
Coding change: c.6162_6163del on transcript NM_006031.6 (MANE Select); coding-DNA positions 6162 to 6163, 2 bases deleted (AG; older notation c.6162_6163delAG).
Protein change: p.Lys2054fs; shifts the reading frame from lysine 2054.
Molecular consequence: frameshift variant.
Genome position (GRCh38, 1-based): chr21:46,416,080-46,416,081, AG deleted. VCF-style (leftmost placement, unchanged base first): chr21-46416079-AAG-A. GRCh37 (hg19) VCF-style: chr21-47835993-AAG-A.
Other names: c.5808_5809del, p.Lys1936fs (NM_001315529.2); c.6162_6163del (NM_006031.5); short protein forms K1936fs, K2054fs.
Identifiers: ClinVar variation 444579 (VCV000444579.50), dbSNP rs778391726, ClinGen allele CA10080268.
Genomic context (GRCh38, chr21:46,416,079, plus strand): 5'-TCCTGGTGAGCCAGGTATTCCACCGTGCACCTGTTCTGTTTCACCTGCAGGGTAAAGAAA[AAG>A]TACTGGAAGATTGTCAGCTGCCGAAGGTCGATCTCGTAGCTCAGGTGAAACAGCTTCAGG-3'

ClinVar aggregate classification (germline): Conflicting classifications of pathogenicity. Review status: criteria provided, conflicting classifications (1 of 4 stars). 4 submissions from 4 submitters: Pathogenic (2); Likely pathogenic (1); Uncertain significance (1). Last evaluated 2024-05-05.

Conditions:
PCNT-related disorder. Also called: PCNT-related condition.

Allele frequency attached by ClinVar (database versions not stated): gnomAD exomes below 0.00001 and 0.00001; ExAC 0.00001; gnomAD 0.00001; TOPMed 0.00001; ESP Exome Variant Server 0.00008.

Submissions (4):

GeneDx
Classification: Likely pathogenic. Last evaluated: 2024-05-05. Review status: criteria provided, single submitter. Criteria: GeneDx Variant Classification Process June 2021. Collection method: clinical testing. Allele origin: germline. Affected: yes.
Comment: Frameshift variant predicted to result in protein truncation or nonsense mediated decay in a gene for which loss of function is a known mechanism of disease; Not observed at significant frequency in large population cohorts (gnomAD); Observed in a patient with a reported diagnosis of MOPDII who also harbored a second variant, but it is not known whether the variants occurred on the same (in cis) or on different (in trans) chromosomes; patient specific details regarding the MOPDII features were not specified in this report (PMID: 21270239); This variant is associated with the following publications: (PMID: 21270239)

Labcorp Genetics (formerly Invitae), Labcorp
Classification: Pathogenic. Last evaluated: 2024-01-19. Review status: criteria provided, single submitter. Criteria: Invitae Variant Classification Sherloc (09022015). Collection method: clinical testing. Allele origin: germline.
Comment: This sequence change creates a premature translational stop signal (p.Lys2054Asnfs*58) in the PCNT gene. It is expected to result in an absent or disrupted protein product. Loss-of-function variants in PCNT are known to be pathogenic (PMID: 18174396, 22821869). This variant is present in population databases (rs778391726, gnomAD 0.0009%). This premature translational stop signal has been observed in individual(s) with PCNT-related conditions (PMID: 21270239). This variant is also known as 6162_6163hetdelAG (2111X). ClinVar contains an entry for this variant (Variation ID: 444579). For these reasons, this variant has been classified as Pathogenic.

PreventionGenetics, part of Exact Sciences
Classification: Pathogenic for PCNT-related condition. Last evaluated: 2023-08-01. Review status: criteria provided, single submitter. Criteria: ACMG Guidelines, 2015. Collection method: clinical testing. Allele origin: germline.
Comment: The PCNT c.6162_6163delAG variant is predicted to result in a frameshift and premature protein termination (p.Lys2054Asnfs*58). This variant was reported in the compound heterozygous state in an individual with microcephalic osteodysplastic primordial dwarfism with insulin resistance (Huang-Doran et al. 2011. PubMed ID: 21270239). This variant is reported in 0.00088% of alleles in individuals of European (Non-Finnish) descent in gnomAD. Frameshift variants in PCNT are expected to be pathogenic. This variant is interpreted as pathogenic.

CeGaT Center for Human Genetics Tuebingen
Classification: Uncertain significance. Last evaluated: 2017-02-01. Review status: criteria provided, single submitter. Criteria: CeGaT Center For Human Genetics Tuebingen Variant Classification Criteria Version 2. Collection method: clinical testing. Allele origin: germline. Affected: yes. Observed: 1 variant allele.

Literature cited by the submitters: PubMed 18174396 (cited by Labcorp Genetics (formerly Invitae), Labcorp); PubMed 22821869 (cited by Labcorp Genetics (formerly Invitae), Labcorp); PubMed 21270239 (cited by Labcorp Genetics (formerly Invitae), Labcorp).